The following is an entry in ClinVar:

ClinVar aggregate classification (germline): Uncertain significance (1 of 4 stars; one submission).

Allele frequency attached by ClinVar (database versions not stated): gnomAD 0.00001.
gnomAD v4.1: 2 of 1,613,854 alleles (0.00012%); highest among the groups gnomAD compares: Non-Finnish European, 0.00017%; no homozygotes.

Submission:

GeneDx
Classification: Uncertain significance. Last evaluated: 2022-11-29. Review status: criteria provided, single submitter. Criteria: GeneDx Variant Classification Process June 2021. Collection method: clinical testing. Allele origin: germline. Affected: yes.
Comment: Not observed at significant frequency in large population cohorts (gnomAD); In silico analysis supports that this missense variant has a deleterious effect on protein structure/function; Has not been previously published as pathogenic or benign to our knowledge

NM_001378964.1(CDON):c.976G>T (p.Gly326Cys)

Gene: CDON (cell adhesion associated, oncogene regulated; minus strand). Cytogenetic location: 11q24.2.
Variant type: single nucleotide variant.
Coding change: c.976G>T on transcript NM_001378964.1 (MANE Select); coding-DNA position 976, G replaced by T.
Protein change: p.Gly326Cys; replaces glycine 326 with cysteine.
Molecular consequence: missense variant.
Genome position (GRCh38, 1-based): chr11:126,015,463, C>A on the plus strand (G>T on the coding strand, the complement: CDON is on the minus strand). VCF-style: chr11-126015463-C-A. GRCh37 (hg19) VCF-style: chr11-125885358-C-A.
Other names: c.976G>T, p.Gly326Cys (NM_001243597.3, NM_016952.6); short protein forms G326C.
Identifiers: ClinVar variation 1802087 (VCV001802087.1), dbSNP rs1205001369, ClinGen allele CA383210424.
Genomic context (GRCh38, chr11:126,015,463, plus strand): 5'-ACCAGGTACAGTTGGGGGCTGGGTTCCCATGAACGTCGCAGGTAAAGTGTACTGTGGCAC[C>A]CAGAGACACTATCTGATCCTGTAGTCCTTTAGAAATGGAAGCATGTTCTGAAAATAAAAC-3'
Protein context (NP_001365893.1, residues 316-336): KGLQDQIVSL[Gly326Cys]ATVHFTCDVH